The following is an entry in ClinVar:

NM_004304.5(ALK):c.1804G>A (p.Asp602Asn)

Gene: ALK (ALK receptor tyrosine kinase; minus strand). Cytogenetic location: 2p23.2.
Variant type: single nucleotide variant.
Coding change: c.1804G>A on transcript NM_004304.5 (MANE Select); coding-DNA position 1804, G replaced by A.
Protein change: p.Asp602Asn; replaces aspartic acid 602 with asparagine.
Molecular consequence: missense variant.
Genome position (GRCh38, 1-based): chr2:29,296,901, C>T on the plus strand (G>A on the coding strand, the complement: ALK is on the minus strand). VCF-style: chr2-29296901-C-T. GRCh37 (hg19) VCF-style: chr2-29519767-C-T.
Other names: short protein forms D602N.
Identifiers: ClinVar variation 639969 (VCV000639969.11), dbSNP rs1165866210, ClinGen allele CA346465836.

ClinVar aggregate classification (germline): Conflicting classifications of pathogenicity. Review status: criteria provided, conflicting classifications (1 of 4 stars). 2 submissions from 2 submitters: Uncertain significance (1); Benign (1). Last evaluated 2025-03-19.

Conditions:
Neuroblastoma, susceptibility to, 3. Also called: ALK-Related Neuroblastic Tumor Susceptibility. Identifiers: Orphanet 635, MedGen C2751681, MONDO:0013083, OMIM 613014.
Hereditary cancer-predisposing syndrome. Also called: Hereditary Cancer Syndrome; Neoplastic Syndromes, Hereditary; Tumor predisposition; Hereditary neoplastic syndrome. Identifiers: Orphanet 140162, MedGen C0027672, MeSH D009386, MONDO:0015356.

Allele frequency attached by ClinVar (database versions not stated): gnomAD exomes below 0.00001 and 0.00001; gnomAD 0.00001; TOPMed 0.00001.
gnomAD v4.1: 9 of 1,614,028 alleles (0.00056%); highest among the groups gnomAD compares: East Asian, 0.0022%; no homozygotes.

Submissions (2):

Ambry Genetics
Classification: Benign for Hereditary cancer-predisposing syndrome. Last evaluated: 2025-03-19. Review status: criteria provided, single submitter. Criteria: Ambry Variant Classification Scheme 2023. Collection method: clinical testing. Allele origin: germline.

Labcorp Genetics (formerly Invitae), Labcorp
Classification: Uncertain significance for Neuroblastoma, susceptibility to, 3. Last evaluated: 2024-09-19. Review status: criteria provided, single submitter. Criteria: Invitae Variant Classification Sherloc (09022015). Collection method: clinical testing. Allele origin: germline.
Comment: This sequence change replaces aspartic acid, which is acidic and polar, with asparagine, which is neutral and polar, at codon 602 of the ALK protein (p.Asp602Asn). This variant is present in population databases (no rsID available, gnomAD 0.006%). This variant has not been reported in the literature in individuals affected with ALK-related conditions. ClinVar contains an entry for this variant (Variation ID: 639969). An algorithm developed to predict the effect of missense changes on protein structure and function outputs the following: PolyPhen-2: "Benign". The asparagine amino acid residue is found in multiple mammalian species, which suggests that this missense change does not adversely affect protein function. In summary, the available evidence is currently insufficient to determine the role of this variant in disease. Therefore, it has been classified as a Variant of Uncertain Significance.